The following is an entry in ClinVar:

ClinVar aggregate classification (germline): Uncertain significance (1 of 4 stars; one submission).

Conditions:
Ullrich congenital muscular dystrophy 2 (UCMD2). Identifiers: Orphanet 75840, MedGen C4225314, MONDO:0014654, OMIM 616470.
Bethlem myopathy 2 (BTHLM2). Identifiers: Orphanet 536516, Orphanet 610, MedGen C4225313, MONDO:0034022, OMIM 616471.

gnomAD v4.1: 6 of 1,593,300 alleles (0.00038%); highest among the groups gnomAD compares: Non-Finnish European, 0.00043%; no homozygotes.

Submission:

Labcorp Genetics (formerly Invitae), Labcorp
Classification: Uncertain significance for Bethlem myopathy 2; Ullrich congenital muscular dystrophy 2. Last evaluated: 2022-02-05. Review status: criteria provided, single submitter. Criteria: Invitae Variant Classification Sherloc (09022015). Collection method: clinical testing. Allele origin: germline.
Comment: In summary, the available evidence is currently insufficient to determine the role of this variant in disease. Therefore, it has been classified as a Variant of Uncertain Significance. This sequence change replaces proline, which is neutral and non-polar, with threonine, which is neutral and polar, at codon 125 of the COL12A1 protein (p.Pro125Thr). The frequency data for this variant in the population databases is considered unreliable, as metrics indicate poor data quality at this position in the gnomAD database. This variant has not been reported in the literature in individuals affected with COL12A1-related conditions. Algorithms developed to predict the effect of missense changes on protein structure and function (SIFT, PolyPhen-2, Align-GVGD) all suggest that this variant is likely to be tolerated.

NM_004370.6(COL12A1):c.373C>A (p.Pro125Thr)

Gene: COL12A1 (collagen type XII alpha 1 chain; minus strand). Cytogenetic location: 6q13.
Variant type: single nucleotide variant.
Coding change: c.373C>A on transcript NM_004370.6 (MANE Select); coding-DNA position 373, C replaced by A.
Protein change: p.Pro125Thr; replaces proline 125 with threonine.
Molecular consequence: missense variant. On other transcripts: intron variant (1).
Genome position (GRCh38, 1-based): chr6:75,191,722, G>T on the plus strand (C>A on the coding strand, the complement: COL12A1 is on the minus strand). VCF-style: chr6-75191722-G-T. GRCh37 (hg19) VCF-style: chr6-75901438-G-T.
Other names: c.73+10998C>A (NM_080645.3); short protein forms P125T.
Identifiers: ClinVar variation 2173109 (VCV002173109.4), dbSNP rs1362518345, ClinGen allele CA364729887.